The following is an entry in ClinVar:

ClinVar aggregate classification (germline): Uncertain significance (1 of 4 stars; one submission).

Conditions:
Cardiovascular phenotype. Identifiers: MedGen CN230736.

gnomAD v4.1: 6 of 1,614,082 alleles (0.00037%); highest among the groups gnomAD compares: Non-Finnish European, 0.00042%; no homozygotes.

Submission:

Ambry Genetics
Classification: Uncertain significance for Cardiovascular phenotype. Last evaluated: 2026-06-28. Review status: criteria provided, single submitter. Criteria: Ambry Variant Classification Scheme 2023. Collection method: clinical testing. Allele origin: germline.
Comment: The p.P458L variant (also known as c.1373C>T), located in coding exon 11 of the ENG gene, results from a C to T substitution at nucleotide position 1373. The proline at codon 458 is replaced by leucine, an amino acid with similar properties. This amino acid position is conserved. In addition, this alteration is predicted to be tolerated by in silico analysis. Based on the available evidence, the clinical significance of this variant remains unclear.

NM_001114753.3(ENG):c.1373C>T (p.Pro458Leu)

Genes: ENG (endoglin; minus strand), LOC102723566 (uncharacterized LOC102723566; plus strand). Cytogenetic location: 9q34.11.
Variant type: single nucleotide variant.
Coding change: c.1373C>T on transcript NM_001114753.3 (MANE Select); coding-DNA position 1373, C replaced by T.
Protein change: p.Pro458Leu; replaces proline 458 with leucine.
Molecular consequence: missense variant.
Genome position (GRCh38, 1-based): chr9:127,818,771, G>A on the plus strand (C>T on the coding strand, the complement: ENG is on the minus strand). VCF-style: chr9-127818771-G-A. GRCh37 (hg19) VCF-style: chr9-130581050-G-A.
Other names: c.1373C>T, p.Pro458Leu (NM_000118.4); c.827C>T, p.Pro276Leu (NM_001278138.2); short protein forms P276L, P458L.
Identifiers: ClinVar variation 5035931 (VCV005035931.1).
Genomic context (GRCh38, chr9:127,818,771, plus strand): 5'-GGTACCTGCACAAAGCTCTGCTGCCCCGGCTCGATGGTGTTGGAGGCCTGGAGGAAGTGT[G>A]GGCTGAGGTAGAGGCCCAGCTGGAAAGAGAGGCTGTCCATGTTGAGGCAGTGCACCTTTT-3'
Protein context (NP_001108225.1, residues 448-468): LSFQLGLYLS[Pro458Leu]HFLQASNTIE